The following is an entry in ClinVar:

NM_000075.4(CDK4):c.899G>C (p.Gly300Ala)

Genes: TSPAN31 (tetraspanin 31; plus strand), CDK4 (cyclin dependent kinase 4; minus strand). Cytogenetic location: 12q14.1.
Variant type: single nucleotide variant.
Coding change: c.899G>C on transcript NM_000075.4 (MANE Select); coding-DNA position 899, G replaced by C.
Protein change: p.Gly300Ala; replaces glycine 300 with alanine.
Molecular consequence: missense variant. On other transcripts: 3 prime UTR variant (3).
Genome position (GRCh38, 1-based): chr12:57,748,538, C>G on the plus strand (G>C on the coding strand, the complement: CDK4 is on the minus strand). VCF-style: chr12-57748538-C-G. GRCh37 (hg19) VCF-style: chr12-58142321-C-G.
Other names: c.*1248C>G (NM_001330168.2, NM_001330169.2, NM_005981.5); short protein forms G300A.
Identifiers: ClinVar variation 1765387 (VCV001765387.2), dbSNP rs2140380982, ClinGen allele CA385542191.

ClinVar aggregate classification (germline): Uncertain significance (1 of 4 stars; one submission).

Conditions:
Hereditary cancer-predisposing syndrome. Also called: Neoplastic Syndromes, Hereditary; Tumor predisposition; Hereditary Cancer Syndrome; Hereditary neoplastic syndrome. Identifiers: Orphanet 140162, MedGen C0027672, MeSH D009386, MONDO:0015356.

Submission:

Ambry Genetics
Classification: Uncertain significance for Hereditary cancer-predisposing syndrome. Last evaluated: 2020-12-15. Review status: criteria provided, single submitter. Criteria: Ambry Variant Classification Scheme 2023. Collection method: clinical testing. Allele origin: germline.
Comment: The p.G300A variant (also known as c.899G>C), located in coding exon 7 of the CDK4 gene, results from a G to C substitution at nucleotide position 899. The glycine at codon 300 is replaced by alanine, an amino acid with similar properties. This amino acid position is well conserved in available vertebrate species. In addition, this alteration is predicted to be tolerated by in silico analysis. Since supporting evidence is limited at this time, the clinical significance of this alteration remains unclear.